The following is an entry in ClinVar:

NM_006087.4(TUBB4A):c.361C>T (p.Arg121Trp)

Gene: TUBB4A (tubulin beta 4A class IVa; minus strand). Cytogenetic location: 19p13.3.
Variant type: single nucleotide variant.
Coding change: c.361C>T on transcript NM_006087.4 (MANE Select); coding-DNA position 361, C replaced by T.
Protein change: p.Arg121Trp; replaces arginine 121 with tryptophan.
Molecular consequence: missense variant.
Genome position (GRCh38, 1-based): chr19:6,496,138, G>A on the plus strand (C>T on the coding strand, the complement: TUBB4A is on the minus strand). VCF-style: chr19-6496138-G-A. GRCh37 (hg19) VCF-style: chr19-6496149-G-A.
Other names: c.514C>T, p.Arg172Trp (NM_001289123.2); c.496C>T, p.Arg166Trp (NM_001289127.2); c.361C>T, p.Arg121Trp (NM_001289129.2); c.145C>T, p.Arg49Trp (NM_001289130.2, NM_001289131.2); short protein forms R121W, R166W, R49W, R172W.
Identifiers: ClinVar variation 837764 (VCV000837764.9), dbSNP rs1914173853, ClinGen allele CA403592652.

ClinVar aggregate classification (germline): Uncertain significance (1 of 4 stars; one submission).

Conditions:
Leukodystrophy, hypomyelinating, 6. Also called: Hypomyelination with Atrophy of Basal Ganglia and Cerebellum (H-ABC); LEUKODYSTROPHY, HYPOMYELINATING, WITH ATROPHY OF THE BASAL GANGLIA AND CEREBELLUM; TUBB4A-Associated Leukodystrophy. Identifiers: Orphanet 139441, MedGen C2676244, MONDO:0012905, OMIM 612438.

Allele frequency attached by ClinVar (database versions not stated): gnomAD exomes below 0.00001.
gnomAD v4.1: 1 of 1,614,140 alleles (0.000062%); highest among the groups gnomAD compares: East Asian, 0.0022%; no homozygotes.

Submission:

Labcorp Genetics (formerly Invitae), Labcorp
Classification: Uncertain significance for Leukodystrophy, hypomyelinating, 6. Last evaluated: 2023-02-06. Review status: criteria provided, single submitter. Criteria: Invitae Variant Classification Sherloc (09022015). Collection method: clinical testing. Allele origin: germline.
Comment: In summary, the available evidence is currently insufficient to determine the role of this variant in disease. Therefore, it has been classified as a Variant of Uncertain Significance. This sequence change replaces arginine, which is basic and polar, with tryptophan, which is neutral and slightly polar, at codon 121 of the TUBB4A protein (p.Arg121Trp). This variant is not present in population databases (gnomAD no frequency). This missense change has been observed in individual(s) with dystonia (Invitae). ClinVar contains an entry for this variant (Variation ID: 837764). Advanced modeling of protein sequence and biophysical properties (such as structural, functional, and spatial information, amino acid conservation, physicochemical variation, residue mobility, and thermodynamic stability) performed at Invitae indicates that this missense variant is expected to disrupt TUBB4A protein function.